The following is an entry in ClinVar:

ClinVar aggregate classification (germline): Pathogenic. Review status: reviewed by expert panel (3 of 4 stars). 31 submissions from 30 submitters: Pathogenic (1). 30 of the submissions do not count toward it. Last evaluated 2015-08-10.

Conditions:
Familial cancer of breast. Also called: Hereditary breast cancer; hereditary breast carcinoma; BREAST CANCER, FAMILIAL. Identifiers: Orphanet 227535, MedGen C0346153, MONDO:0016419, OMIM 114480. Disease mechanism: loss of function.
Breast-ovarian cancer, familial, susceptibility to, 1 (BROVCA1). Also called: OVARIAN CANCER, SUSCEPTIBILITY TO; BRCA1 Hereditary Breast and Ovarian Cancer. Identifiers: Orphanet 145, MedGen C2676676, MONDO:0011450, OMIM 604370. Disease mechanism: loss of function.
Fanconi anemia, complementation group S (FANCS). Identifiers: MedGen C4554406, MONDO:0054748, OMIM 617883.
Pancreatic cancer, susceptibility to, 4. Identifiers: Orphanet 1333, MedGen C3280442, MONDO:0013685, OMIM 614320.
Breast and/or ovarian cancer. Identifiers: MedGen CN221562.
Hereditary cancer-predisposing syndrome. Also called: Tumor predisposition; Neoplastic Syndromes, Hereditary; Hereditary Cancer Syndrome; Hereditary neoplastic syndrome. Identifiers: Orphanet 140162, MedGen C0027672, MeSH D009386, MONDO:0015356.
Hereditary breast ovarian cancer syndrome. Also called: Hereditary breast and ovarian cancer syndrome (HBOC); Hereditary breast and ovarian cancer syndrome; Hereditary breast and ovarian cancer; Hereditary breast and/or ovarian cancer syndrome; Breast and ovarian cancer; BRCA1- and BRCA2-Associated Hereditary Breast and Ovarian Cancer. Identifiers: Orphanet 145, MedGen C0677776, MeSH D061325, MONDO:0003582. Disease mechanism: loss of function.
Malignant tumor of breast. Also called: Malignant breast neoplasm; Cancer breast. Identifiers: MedGen C0006142, MONDO:0007254. Disease mechanism: loss of function.

Allele frequency attached by ClinVar (database versions not stated): gnomAD exomes below 0.00001.
gnomAD v4.1: 2 of 1,613,882 alleles (0.00012%); highest among the groups gnomAD compares: Non-Finnish European, 0.00017%; no homozygotes.

Submissions 1 to 6 of 33:

Evidence-based Network for the Interpretation of Germline Mutant Alleles (ENIGMA)
Classification: Pathogenic for Breast-ovarian cancer, familial 1. Last evaluated: 2015-08-10. Review status: reviewed by expert panel. Criteria: ENIGMA BRCA1/2 Classification Criteria (2015). Collection method: curation. Allele origin: germline.
Comment: IARC class based on posterior probability from multifactorial likelihood analysis, thresholds for class as per Plon et al. 2008 (PMID: 18951446). Class 5 based on posterior probability = 1

Labcorp Genetics (formerly Invitae), Labcorp
Classification: Pathogenic for Hereditary breast ovarian cancer syndrome. Last evaluated: 2026-01-10. Review status: criteria provided, single submitter. Criteria: Invitae Variant Classification Sherloc (09022015). Collection method: clinical testing. Allele origin: germline. Not counted in ClinVar's aggregate classification.
Comment: This sequence change affects a donor splice site in intron 19 of the BRCA1 gene. RNA analysis indicates that disruption of this splice site induces altered splicing and may result in an absent or altered protein product. This variant is not present in population databases (gnomAD no frequency). Disruption of this splice site has been observed in individual(s) with breast or ovarian cancer (PMID: 11149413, 16683254, 19949876). ClinVar contains an entry for this variant (Variation ID: 37654). Based on a multifactorial likelihood algorithm using genetic, in silico, and/or statistical data, this variant has been determined to have a high probability of being pathogenic (PMID: 17924331). Studies have shown that disruption of this splice site results in activation of a cryptic splice site in intron 19 or skipping of exon 19 (also known as exon 20) , and produces a non-functional protein and/or introduces a premature termination codon (PMID: 24667779; internal data). For these reasons, this variant has been classified as Pathogenic.

Ambry Genetics
Classification: Pathogenic for Hereditary cancer-predisposing syndrome. Last evaluated: 2025-09-02. Review status: criteria provided, single submitter. Criteria: Ambry Variant Classification Scheme 2023. Collection method: clinical testing. Allele origin: germline. Not counted in ClinVar's aggregate classification.
Comment: The c.5277+1G>A intronic pathogenic mutation results from a G to A substitution one nucleotide after coding exon 18 of the BRCA1 gene. This mutation has been identified in multiple breast and/or ovarian cancer families (de la Hoya M et al. Int. J. Cancer. 2001 Jan;91:137-40; Verhoog LC et al. Eur. J. Cancer. 2001 Nov;37:2082-90; Meindl A et al. Int. J. Cancer. 2002 Feb;97:472-80; D&iacute;ez O et al Hum. Mutat. 2003 Oct;22:301-12; Piek JM et al. Fam. Cancer. 2003;2:73-8; Lara K et al. Biol. Res. 2012;45:117-30). This alteration has been classified as definitely pathogenic by multifactorial analysis, which integrates the following lines of evidence to produce a quantitative likelihood of pathogenicity: in silico prediction models, segregation with disease, tumor characteristics, and mutation co-occurrence (Easton DF et al. Am. J. Hum. Genet. 2007 Nov;81:873-83; Lindor NM et al. Hum. Mutat. 2012 Jan;33:8-21; Vallee MP et al. Hum. Mutat. 2012 Jan;33:22-8). Multiple RNA studies have demonstrated that this alteration results in abnormal splicing (Tesoriero AA et al. Hum. Mutat. 2005 Nov;26:495; Elstrodt F et al. Cancer Res. 2006 Jan;66:41-5; Steffensen AY et al. Eur. J. Hum. Genet. 2014 Dec;22:1362-8; Tesoriero AA et al. Hum. Mutat. 2014 Apr;35:511; Ambry internal data). One functional study found that this nucleotide substitution is deleterious in a high throughput genome editing haploid cell survival assay (Findlay GM et al. Nature, 2018 10;562:217-222). Of note, this mutation is also designated as IVS20+1G>A and 5396+1G>A in published literature. In addition to the clinical data presented in the literature, alterations that disrupt the canonical splice site are expected to cause aberrant splicing, resulting in an abnormal protein or a transcript that is subject to nonsense-mediated mRNA decay. As such, this alteration is classified as a disease-causing mutation.

Color Diagnostics, LLC DBA Color Health
Classification: Pathogenic for Hereditary cancer-predisposing syndrome. Last evaluated: 2025-06-09. Review status: criteria provided, single submitter. Criteria: ACMG Guidelines, 2015. Collection method: clinical testing. Allele origin: germline. Not counted in ClinVar's aggregate classification.
Comment: This variant causes a G to A nucleotide substitution at the +1 position of intron 19 of the BRCA1 gene. This variant is also known as IVS20+1G>A by a legacy nomenclature in the literature. RNA studies have found that this variant results in the retention of 87 nucleotides from intron 19 and the skipping of exon 19, that are predicted to cause in-frame insertion of 29 amino acids in the BRCT domain and out-of-frame splicing, respectively (PMID: 16211554, 24667779, 31843900). A functional study has reported that this variant impacts BRCA1 function in a haploid cell proliferation assay (PMID: 30209399). This variant has been reported in several individuals affected with breast or ovarian cancer, one individual affected with peritoneal cancer (PMID: 14574155, 16211554, 20215541, 21913181, 23096355) and in at least four dozen suspected hereditary breast and ovarian cancer families (PMID: 11149413, 11597388, 11802209, 16683254, 19949876, 24285858), including one family in which this variant segregates with ovarian cancer in five members of one family (PMID: 16211554). This variant also has been detected in a breast cancer case-control meta-analysis in 8/60466 cases and 1/53461 unaffected individuals (PMID: 33471991Leiden Open Variation Database DB-ID BRCA1_000441). A multifactorial analysis has reported a family history likelihood ratio for pathogenicity of 11.1 (PMID: 17924331). This variant has not been identified in the general population by the Genome Aggregation Database (gnomAD). Loss of BRCA1 function is a known mechanism of disease. Based on the available evidence, this variant is classified as Pathogenic.

Molecular Diagnostics Laboratory, Catalan Institute of Oncology
Classification: Pathogenic for Hereditary cancer-predisposing syndrome. Last evaluated: 2024-10-02. Review status: criteria provided, single submitter. Criteria: ClinGen BRCA1BRCA2 ACMG Specifications BRCA1 V1.0.0. Collection method: clinical testing. Allele origin: germline. Not counted in ClinVar's aggregate classification.
Comment: PVS1, PS3, PM2_Supporting, PP4_VeryStrong c.5277+1G>A, located in a canonic splicing site of the BRCA1 is predicted to alter splicing causing the skipping of exon 19 (20, according to BIC nomenclature), and the retention of 87 nucleotides from intron 19 (r.[5194_5277del,5277_5278ins5277+1_5277+87]), which translates into p.[His1732_Lys1759del,Lys1759_Ile1760insValLysLeuProProSerSer*] (PMID: 24667779, 20215541, 16211554). This alteration, also known as IVS20+1G>A, generates two transcripts, one in-frame deletion affecting a (potentially) clinically important functional protein domain and another producing a loss of function by premature protein truncation and nonsense-mediated mRNA decay (PVS1_RNA). It is not present in the population database gnomAD v2.1.1, non cancer dataset (PM2_supporting). Reported by one calibrated study incorporating mRNA splicing effects to affect protein function similar to pathogenic control variants (PMID:30209399) (PS3). It has been reported in the literature in multiple individuals affected with Hereditary Breast and Ovarian Cancer Syndrome and other types of cancers, and the likelihood ratio reported by multifactorial analysis is 4.27E+11 (PP4_Very Strong). In addition, the variant has been identified in the ClinVar database (28x pathogenic), in the BRCA Exchange database (where it has been classified as pathogenic), and in LOVD (not classified). Based on currently available information, the variant c.5277+1G>A should be considered a pathogenic variant.

Revvity Omics, Revvity
Classification: Pathogenic. Last evaluated: 2024-06-03. Review status: criteria provided, single submitter. Criteria: ACMG Guidelines, 2015. Collection method: clinical testing. Allele origin: germline. Not counted in ClinVar's aggregate classification.

NM_007294.4(BRCA1):c.5277+1G>A

Gene: BRCA1 (BRCA1 DNA repair associated; minus strand). Cytogenetic location: 17q21.31.
Variant type: single nucleotide variant.
Coding change: c.5277+1G>A on transcript NM_007294.4 (MANE Select); the canonical splice donor site of the intron after coding-DNA position 5277, G replaced by A.
Molecular consequence: splice donor variant.
Genome position (GRCh38, 1-based): chr17:43,057,051, C>T on the plus strand (G>A on the coding strand, the complement: BRCA1 is on the minus strand). VCF-style: chr17-43057051-C-T. GRCh37 (hg19) VCF-style: chr17-41209068-C-T.
Other names: IVS19+1 G>A; IVS20+1G>A; c.1824+1G>A (NM_001408458.1, NM_001408461.1, NM_001408464.1 and 7 more transcripts); c.4386+1G>A (NM_001407967.1); c.4896+1G>A (NM_001407959.1); c.5010+1G>A (NM_001407931.1, NM_001407932.1, NM_001407928.1 and 4 more transcripts); c.5133+1G>A (NM_001407747.1, NM_001407745.1, NM_001407737.1 and 21 more transcripts); c.4893+1G>A (NM_001407962.1, NM_001407960.1); and 74 more.
Identifiers: ClinVar variation 37654 (VCV000037654.116), dbSNP rs80358150, ClinGen allele CA003419.
Genomic context (GRCh38, chr17:43,057,051, plus strand): 5'-GGGGAGTGGAATACAGAGTGGTGGGGTGAGATTTTTGTCAACTTGAGGGAGGGAGCTTTA[C>T]CTTTCTGTCCTGGGATTCTCTTGCTCGCTTTGGACCTTGGTGGTTTCTTCCATTGACCAC-3'